The following is an entry in ClinVar:

ClinVar aggregate classification (germline): Likely pathogenic (1 of 4 stars; one submission).

Conditions:
Retinitis pigmentosa 11 (RP11). Identifiers: Orphanet 791, MedGen C1838601, MONDO:0010828, OMIM 600138.

Submission:

MVZ Medizinische Genetik Mainz
Classification: Likely pathogenic for Retinitis pigmentosa 11. Last evaluated: 2024-05-16. Review status: criteria provided, single submitter. Criteria: UK Practice Guidelines For Variant Classification V4 01 2020. Collection method: clinical testing. Allele origin: germline. Inheritance: Autosomal dominant inheritance. Affected: yes. Observed: 1 variant allele.
Comment: ACMG Criteria: PVS1,PM2_SUP

NM_015629.4(PRPF31):c.549_550insGCCTCCAG (p.Leu184fs)

Gene: PRPF31 (pre-mRNA processing factor 31; plus strand). Cytogenetic location: 19q13.42.
Variant type: Insertion.
Coding change: c.549_550insGCCTCCAG on transcript NM_015629.4 (MANE Select); coding-DNA positions 549 to 550, GCCTCCAG inserted.
Protein change: p.Leu184fs; shifts the reading frame from leucine 184.
Molecular consequence: frameshift variant.
Genome position: GRCh38 VCF-style: chr19-54123768-G-GAGGCCTCC. GRCh37 (hg19) VCF-style: chr19-54627147-G-GAGGCCTCC.
Other names: short protein forms L184fs.
Identifiers: ClinVar variation 3256694 (VCV003256694.1).